The following is an entry in ClinVar:

NM_177438.3(DICER1):c.903+7A>G

Gene: DICER1 (dicer 1, ribonuclease III; minus strand). Cytogenetic location: 14q32.13.
Variant type: single nucleotide variant.
Coding change: c.903+7A>G on transcript NM_177438.3 (MANE Select); 7 bases into the intron after coding-DNA position 903, A replaced by G.
Molecular consequence: intron variant.
Genome position (GRCh38, 1-based): chr14:95,126,573, T>C on the plus strand (A>G on the coding strand, the complement: DICER1 is on the minus strand). VCF-style: chr14-95126573-T-C. GRCh37 (hg19) VCF-style: chr14-95592910-T-C.
Other names: c.903+7A>G (NM_001291628.2, NM_030621.4, NM_001271282.3 and 1 more transcripts).
Identifiers: ClinVar variation 1143584 (VCV001143584.12), dbSNP rs1566806562, ClinGen allele CA615846514.

ClinVar aggregate classification (germline): Likely benign. Review status: criteria provided, multiple submitters, no conflicts (2 of 4 stars). 2 submissions from 2 submitters: Likely benign (2). Last evaluated 2026-04-10.

Conditions:
DICER1-related tumor predisposition. Also called: DICER1 syndrome; DICER1-related pleuropulmonary blastoma cancer predisposition syndrome. Identifiers: Orphanet 284343, MedGen C3839822, MONDO:0100216.

Allele frequency attached by ClinVar (database versions not stated): gnomAD exomes below 0.00001.
gnomAD v4.1: 4 of 1,475,782 alleles (0.00027%); highest among the groups gnomAD compares: South Asian, 0.0023%; no homozygotes.

Submissions (2):

Myriad Genetics, Inc.
Classification: Likely benign for DICER1-related tumor predisposition. Last evaluated: 2026-04-10. Review status: criteria provided, single submitter. Criteria: Myriad Autosomal Dominant, Autosomal Recessive and X-Linked Classification Criteria (2023). Collection method: clinical testing. Allele origin: unknown.
Comment: This variant is considered likely benign. This variant is intronic and is not expected to impact mRNA splicing.

Labcorp Genetics (formerly Invitae), Labcorp
Classification: Likely benign for DICER1-related tumor predisposition. Last evaluated: 2023-04-06. Review status: criteria provided, single submitter. Criteria: Invitae Variant Classification Sherloc (09022015). Collection method: clinical testing. Allele origin: germline.